The following is an entry in ClinVar:

NM_001378120.1(MBD5):c.4907T>C (p.Leu1636Ser)

Gene: MBD5 (methyl-CpG binding domain protein 5; plus strand). Cytogenetic location: 2q23.1.
Variant type: single nucleotide variant.
Coding change: c.4907T>C on transcript NM_001378120.1 (MANE Select); coding-DNA position 4907, T replaced by C.
Protein change: p.Leu1636Ser; replaces leucine 1636 with serine.
Molecular consequence: missense variant.
Genome position (GRCh38, 1-based): chr2:148,490,539, T>C. VCF-style: chr2-148490539-T-C. GRCh37 (hg19) VCF-style: chr2-149248108-T-C.
Other names: c.4208T>C, p.Leu1403Ser (NM_018328.5); short protein forms L1403S, L1636S.
Identifiers: ClinVar variation 3769756 (VCV003769756.1).
Genomic context (GRCh38, chr2:148,490,539, plus strand): 5'-TCAATGTTGGCGACTTGGTCTGGGGCCAAATCAAAGGACTGACTTCCTGGCCTGGAAAAT[T>C]AGTAAGAGAAGACGACGTTCACAATTCATGTCAACAAAGCCCCGAGGAAGGGAAGGTATA-3'
Protein context (NP_001365049.1, residues 1626-1646): IKGLTSWPGK[Leu1636Ser]VREDDVHNSC

ClinVar aggregate classification (germline): Uncertain significance (1 of 4 stars; one submission).

Submission:

GeneDx
Classification: Uncertain significance. Last evaluated: 2024-09-14. Review status: criteria provided, single submitter. Criteria: GeneDx Variant Classification Process June 2021. Collection method: clinical testing. Allele origin: germline. Affected: yes.
Comment: Not observed at significant frequency in large population cohorts (gnomAD); In silico analysis supports that this missense variant has a deleterious effect on protein structure/function; Has not been previously published as pathogenic or benign to our knowledge